The following is an entry in ClinVar:

ClinVar aggregate classification (germline): Likely benign. Review status: criteria provided, multiple submitters, no conflicts (2 of 4 stars). 4 submissions from 4 submitters: Likely benign (4). Last evaluated 2026-07-11.

Conditions:
Arrhythmogenic right ventricular dysplasia 8 (ARVD8). Also called: Arrhythmogenic Right Ventricular Dysplasia/Cardiomyopathy 8; ARRHYTHMOGENIC RIGHT VENTRICULAR DYSPLASIA, FAMILIAL, 8; ARRHYTHMOGENIC RIGHT VENTRICULAR CARDIOMYOPATHY 8. Identifiers: MedGen C1843896, MONDO:0011831, OMIM 607450.
Arrhythmogenic cardiomyopathy with wooly hair and keratoderma. Also called: Dilated cardiomyopathy with woolly hair and keratoderma; Arrhythmogenic cardiomyopathy with woolly hair and keratoderma; PALMOPLANTAR KERATODERMA WITH LEFT VENTRICULAR CARDIOMYOPATHY AND WOOLLY HAIR; Carvajal syndrome. Identifiers: Orphanet 65282, MedGen C1854063, MONDO:0011581, OMIM 605676.
Cardiomyopathy (CMYO). Also called: Cardiomyopathies. Identifiers: Orphanet 167848, MedGen C0878544, MONDO:0004994, HP:0001638. Inheritance: Various modes of inheritance.
Cardiovascular phenotype. Identifiers: MedGen CN230736.

Allele frequency attached by ClinVar (database versions not stated): gnomAD exomes below 0.00001.
gnomAD v4.1: 6 of 1,614,082 alleles (0.00037%); highest among the groups gnomAD compares: South Asian, 0.0044%; no homozygotes.

Submissions (4):

Ambry Genetics
Classification: Likely benign for Cardiovascular phenotype. Last evaluated: 2026-07-11. Review status: criteria provided, single submitter. Criteria: Ambry Variant Classification Scheme 2023. Collection method: clinical testing. Allele origin: germline.

Labcorp Genetics (formerly Invitae), Labcorp
Classification: Likely benign for Arrhythmogenic cardiomyopathy with wooly hair and keratoderma; Arrhythmogenic right ventricular dysplasia 8. Last evaluated: 2023-07-29. Review status: criteria provided, single submitter. Criteria: Invitae Variant Classification Sherloc (09022015). Collection method: clinical testing. Allele origin: germline.

Phosphorus, Inc.
Classification: Likely benign. Last evaluated: 2022-01-15. Review status: criteria provided, single submitter. Criteria: ACMG Guidelines, 2015. Collection method: clinical testing. Allele origin: germline. Inheritance: Autosomal dominant inheritance.
Comment: This synonymous variant has an entry in ClinVar (1096380) NM_004415.4 (DSP): c.6576C>T (p.Ile2192=) and has occurred in GnomAD with a total MAF of 0.0004%. This position is not conserved. In silico splicing algorithm was unavailable, however it is not predicted to impact splicing due to its distance from the splice site. No functional studies were performed to confirm this prediction. The variant has not occurred in literature associated with disease. Considering the above evidence, this variant has been classified as Likely Benign.

Color Diagnostics, LLC DBA Color Health
Classification: Likely benign for Cardiomyopathy. Last evaluated: 2021-03-23. Review status: criteria provided, single submitter. Criteria: ACMG Guidelines, 2015. Collection method: clinical testing. Allele origin: germline.

NM_004415.4(DSP):c.6576C>T (p.Ile2192=)

Gene: DSP (desmoplakin; plus strand). Cytogenetic location: 6p24.3.
Variant type: single nucleotide variant.
Coding change: c.6576C>T on transcript NM_004415.4 (MANE Select); coding-DNA position 6576, C replaced by T.
Protein change: p.Ile2192=; no amino-acid change (isoleucine 2192 retained).
Molecular consequence: synonymous variant.
Genome position (GRCh38, 1-based): chr6:7,583,838, C>T. VCF-style: chr6-7583838-C-T. GRCh37 (hg19) VCF-style: chr6-7584071-C-T.
Other names: c.4779C>T, p.Ile1593= (NM_001008844.3); c.5247C>T, p.Ile1749= (NM_001319034.2).
Identifiers: ClinVar variation 1096380 (VCV001096380.13), dbSNP rs1032400756, ClinGen allele CA448715876.
Genomic context (GRCh38, chr6:7,583,838, plus strand): 5'-TGTGGATCCAGTCACCAAAAAGAAGGTCAGTTACGTGCAGCTGAAGGAACGGTGCAGAAT[C>T]GAACCACATACTGGTCTGCTCTTGCTTTCAGTACAGAAGAGAAGCATGTCCTTCCAAGGA-3'
Protein context (NP_004406.2, residues 2182-2202): SYVQLKERCR[Ile2192=]EPHTGLLLLS